The following is an entry in ClinVar:

ClinVar aggregate classification (germline): Uncertain significance. Review status: criteria provided, multiple submitters, no conflicts (2 of 4 stars). 3 submissions from 3 submitters: Uncertain significance (3). Last evaluated 2024-10-22.

Conditions:
Cardiovascular phenotype. Identifiers: MedGen CN230736.

gnomAD v4.1: 7 of 1,612,594 alleles (0.00043%); highest among the groups gnomAD compares: African/African-American, 0.008%; no homozygotes.

Submissions (3):

GeneDx
Classification: Uncertain significance. Last evaluated: 2024-10-22. Review status: criteria provided, single submitter. Criteria: GeneDx Variant Classification Process June 2021. Collection method: clinical testing. Allele origin: germline. Affected: yes.
Comment: Not observed at significant frequency in large population cohorts (gnomAD); In silico analysis supports that this missense variant has a deleterious effect on protein structure/function; Has not been previously published as pathogenic or benign to our knowledge

Labcorp Genetics (formerly Invitae), Labcorp
Classification: Uncertain significance. Last evaluated: 2024-08-19. Review status: criteria provided, single submitter. Criteria: Invitae Variant Classification Sherloc (09022015). Collection method: clinical testing. Allele origin: germline.
Comment: This sequence change replaces phenylalanine, which is neutral and non-polar, with cysteine, which is neutral and slightly polar, at codon 409 of the LMF1 protein (p.Phe409Cys). This variant is present in population databases (rs765778525, gnomAD 0.008%). This variant has not been reported in the literature in individuals affected with LMF1-related conditions. An algorithm developed to predict the effect of missense changes on protein structure and function (PolyPhen-2) suggests that this variant is likely to be disruptive. In summary, the available evidence is currently insufficient to determine the role of this variant in disease. Therefore, it has been classified as a Variant of Uncertain Significance.

Ambry Genetics
Classification: Uncertain significance for Cardiovascular phenotype. Last evaluated: 2024-08-15. Review status: criteria provided, single submitter. Criteria: Ambry Variant Classification Scheme 2023. Collection method: clinical testing. Allele origin: germline.
Comment: The p.F409C variant (also known as c.1226T>G), located in coding exon 8 of the LMF1 gene, results from a T to G substitution at nucleotide position 1226. The phenylalanine at codon 409 is replaced by cysteine, an amino acid with highly dissimilar properties. This amino acid position is highly conserved in available vertebrate species. In addition, this alteration is predicted to be deleterious by in silico analysis. Based on the available evidence, the clinical significance of this variant remains unclear.

NM_022773.4(LMF1):c.1226T>G (p.Phe409Cys)

Gene: LMF1 (lipase maturation factor 1; minus strand). Cytogenetic location: 16p13.3.
Variant type: single nucleotide variant.
Coding change: c.1226T>G on transcript NM_022773.4 (MANE Select); coding-DNA position 1226, T replaced by G.
Protein change: p.Phe409Cys; replaces phenylalanine 409 with cysteine.
Molecular consequence: missense variant. On other transcripts: non-coding transcript variant (1).
Genome position (GRCh38, 1-based): chr16:870,735, A>C on the plus strand (T>G on the coding strand, the complement: LMF1 is on the minus strand). VCF-style: chr16-870735-A-C. GRCh37 (hg19) VCF-style: chr16-920735-A-C.
Other names: c.575T>G, p.Phe192Cys (NM_001352017.2, NM_001352021.2); c.827T>G, p.Phe276Cys (NM_001352018.2); c.899T>G, p.Phe300Cys (NM_001352019.2); c.1226T>G, p.Phe409Cys (NM_001352020.1); c.1226T>G (NM_022773.3); short protein forms F409C, F192C, F276C, F300C.
Identifiers: ClinVar variation 3538650 (VCV003538650.4).